The following is an entry in ClinVar:

ClinVar aggregate classification (germline): Pathogenic. Review status: criteria provided, multiple submitters, no conflicts (2 of 4 stars). 2 submissions from 2 submitters: Pathogenic (2). Last evaluated 2023-01-17.

Conditions:
Hereditary breast ovarian cancer syndrome. Also called: Breast and ovarian cancer; Hereditary breast and ovarian cancer syndrome (HBOC); Hereditary breast and/or ovarian cancer syndrome; Hereditary breast and ovarian cancer; Hereditary breast and ovarian cancer syndrome; BRCA1- and BRCA2-Associated Hereditary Breast and Ovarian Cancer. Identifiers: Orphanet 145, MedGen C0677776, MeSH D061325, MONDO:0003582. Disease mechanism: loss of function.
Breast-ovarian cancer, familial, susceptibility to, 2 (BROVCA2). Also called: BRCA2 Hereditary Breast and Ovarian Cancer. Identifiers: Orphanet 145, MedGen C2675520, MONDO:0012933, OMIM 612555. Disease mechanism: loss of function.

Submissions (2):

Myriad Genetics, Inc.
Classification: Pathogenic for Breast-ovarian cancer, familial, susceptibility to, 2. Last evaluated: 2023-01-17. Review status: criteria provided, single submitter. Criteria: Myriad Autosomal Dominant, Autosomal Recessive and X-Linked Classification Criteria (2023). Collection method: clinical testing. Allele origin: unknown.
Comment: This variant is considered pathogenic. This variant creates a termination codon and is predicted to result in premature protein truncation.

Labcorp Genetics (formerly Invitae), Labcorp
Classification: Pathogenic for Hereditary breast ovarian cancer syndrome. Last evaluated: 2020-05-20. Review status: criteria provided, single submitter. Criteria: Invitae Variant Classification Sherloc (09022015). Collection method: clinical testing. Allele origin: germline.
Comment: For these reasons, this variant has been classified as Pathogenic. Loss-of-function variants in BRCA2 are known to be pathogenic (PMID: 20104584). This variant has not been reported in the literature in individuals with BRCA2-related conditions. This variant is not present in population databases (ExAC no frequency). This sequence change creates a premature translational stop signal (p.Cys148*) in the BRCA2 gene. It is expected to result in an absent or disrupted protein product.

Literature cited by the submitters: PubMed 20104584 (cited by Labcorp Genetics (formerly Invitae), Labcorp).

NM_000059.4(BRCA2):c.444T>A (p.Cys148Ter)

Gene: BRCA2 (BRCA2 DNA repair associated; plus strand). Cytogenetic location: 13q13.1.
Variant type: single nucleotide variant.
Coding change: c.444T>A on transcript NM_000059.4 (MANE Select); coding-DNA position 444, T replaced by A.
Protein change: p.Cys148Ter; replaces cysteine 148 with a stop codon.
Molecular consequence: nonsense.
Genome position (GRCh38, 1-based): chr13:32,326,119, T>A. VCF-style: chr13-32326119-T-A. GRCh37 (hg19) VCF-style: chr13-32900256-T-A.
Other names: short protein forms C148*.
Identifiers: ClinVar variation 1075832 (VCV001075832.7), dbSNP rs2137449498, ClinGen allele CA387757067.
Genomic context (GRCh38, chr13:32,326,119, plus strand): 5'-TTTTTTAAAATAACCTAAGGGATTTGCTTTGTTTTATTTTAGTCCTGTTGTTCTACAATG[T>A]ACACATGTAACACCACAAAGAGATAAGTCAGGTATGATTAAAAACAATGCTTTTTATTCT-3'